The following is an entry in ClinVar:

NM_004643.4(PABPN1):c.21G>A (p.Ala7=)

Genes: BCL2L2-PABPN1 (BCL2L2-PABPN1 readthrough; plus strand), PABPN1 (poly(A) binding protein nuclear 1; plus strand). Cytogenetic location: 14q11.2.
Variant type: single nucleotide variant.
Coding change: c.21G>A on transcript NM_004643.4 (MANE Select); coding-DNA position 21, G replaced by A.
Protein change: p.Ala7=; no amino-acid change (alanine 7 retained).
Molecular consequence: synonymous variant. On other transcripts: intron variant (8).
Genome position (GRCh38, 1-based): chr14:23,321,490, G>A. VCF-style: chr14-23321490-G-A. GRCh37 (hg19) VCF-style: chr14-23790699-G-A.
Other names: c.21G>A, p.Ala7= (NM_001360551.3); c.529-691G>A (NM_001387343.1, NM_001387342.1, NM_001387344.1 and 1 more transcripts); c.433-691G>A (NM_001387345.1, NM_001387346.1, NM_001199864.3); c.550-691G>A (NM_001387340.1).
Identifiers: ClinVar variation 4533758 (VCV004533758.6).

ClinVar aggregate classification (germline): Likely benign (1 of 4 stars; one submission).

Submission:

CeGaT Center for Human Genetics Tuebingen
Classification: Likely benign. Last evaluated: 2025-11-01. Review status: criteria provided, single submitter. Criteria: CeGaT Center For Human Genetics Tuebingen Variant Classification Criteria Version 2. Collection method: clinical testing. Allele origin: germline. Affected: yes. Observed: 1 variant allele.
Comment: PABPN1: BP4, BP7